The following is an entry in ClinVar:

ClinVar aggregate classification (germline): Likely benign (0 of 4 stars; one submission).

Conditions:
FGF10-related disorder. Also called: FGF10-related condition.

Allele frequency attached by ClinVar (database versions not stated): ExAC 0.00001.
gnomAD v4.1: 3 of 1,613,848 alleles (0.00019%); highest among the groups gnomAD compares: Admixed American, 0.0033%; no homozygotes.

Submission:

PreventionGenetics, part of Exact Sciences
Classification: Likely benign for FGF10-related condition. Last evaluated: 2022-08-16. Review status: no assertion criteria provided. Collection method: clinical testing. Allele origin: germline.
Comment: This variant is classified as likely benign based on ACMG/AMP sequence variant interpretation guidelines (Richards et al. 2015 PMID: 25741868, with internal and published modifications).

NM_004465.2(FGF10):c.48G>T (p.Leu16=)

Gene: FGF10 (fibroblast growth factor 10; minus strand). Cytogenetic location: 5p12.
Variant type: single nucleotide variant.
Coding change: c.48G>T on transcript NM_004465.2 (MANE Select); coding-DNA position 48, G replaced by T.
Protein change: p.Leu16=; no amino-acid change (leucine 16 retained).
Molecular consequence: synonymous variant.
Genome position (GRCh38, 1-based): chr5:44,388,635, C>A on the plus strand (G>T on the coding strand, the complement: FGF10 is on the minus strand). VCF-style: chr5-44388635-C-A. GRCh37 (hg19) VCF-style: chr5-44388737-C-A.
Identifiers: ClinVar variation 3054477 (VCV003054477.2), dbSNP rs766097540, ClinGen allele CA3258588.